The following continues an entry in ClinVar:

NM_000143.4(FH):c.1127A>C (p.Gln376Pro)

Gene: FH. ClinVar aggregate classification (germline): Conflicting classifications of pathogenicity. Pathogenic (8); Likely pathogenic (4); Uncertain significance (1).

Submissions 7 to 18 of 18:

Quest Diagnostics Nichols Institute San Juan Capistrano
Classification: Likely pathogenic. Last evaluated: 2025-03-11. Review status: criteria provided, single submitter. Criteria: Quest Diagnostics criteria. Collection method: clinical testing. Allele origin: unknown.
Comment: The FH c.1127A>C (p.Gln376Pro) variant has been reported in the published literature in individuals affected with renal cell cancer (PMID: 35441217 (2022)) and pheochromocytoma (PMID: 34439371 (2021)). This variant has also been reported in a homozygous and/or compound heterozygous state in multiple individuals and families affected with fumarase deficiency (PMID: 10896297 (2000), 15221078 (2004), 16876016 (2006), 28747166 (2017)). Assessment of experimental evidence suggests this variant results in abnormal protein function (PMID: 37255402 (2023)). The frequency of this variant in the general population (Genome Aggregation Database) is uninformative in the assessment of its pathogenicity. Analysis of this variant using bioinformatics tools for the prediction of the effect of amino acid changes on protein structure and function yielded predictions that this variant is damaging. Based on the available information, this variant is classified as likely pathogenic.

Fulgent Genetics
Classification: Pathogenic for Hereditary leiomyomatosis and renal cell cancer; Fumarase deficiency. Last evaluated: 2024-05-07. Review status: criteria provided, single submitter. Criteria: ACMG Guidelines, 2015. Collection method: clinical testing. Allele origin: germline.

Baylor Genetics
Classification: Pathogenic for Fumarase deficiency. Last evaluated: 2024-03-27. Review status: criteria provided, single submitter. Criteria: ACMG Guidelines, 2015. Collection method: clinical testing. Allele origin: unknown.

Blueprint Genetics
Classification: Pathogenic for FH-related disorders. Last evaluated: 2024-03-13. Review status: criteria provided, single submitter. Criteria: ACMG Guidelines, 2015. Collection method: clinical testing. Allele origin: germline. Affected: yes. Observed: 5 variant alleles.

St. Jude Molecular Pathology, St. Jude Children's Research Hospital
Classification: Pathogenic for Hereditary leiomyomatosis and renal cell cancer; Fumarase deficiency. Last evaluated: 2023-04-20. Review status: criteria provided, single submitter. Criteria: St. Jude Assertion Criteria 2020. Collection method: clinical testing. Allele origin: germline.
Comment: The FH c.1127A>C (p.Gln376Pro) missense change has a maximum subpopulation frequency of 0.011% in gnomAD v2.1.1. The in silico tool REVEL predicts a deleterious effect on protein function and a crystal structure study predicted this alteration affects protein interaction and structural integrity (PMID: 21445611). Functional studies have shown that this missense change affects FH function in the homozygous state (PMID: 18313410, 19151755). This variant has been identified in individuals with fumarase deficiency in the homozygous and compound heterozygous state (PMID: 10896297, 15221078, 16876016, 28747166). It has also been reported in individuals with features of HLRCC (PMID: 28747166, 35441217). This variant is also known as 998A>C, Gln13Pro, and Gln333Pro. Based on the available evidence, this variant is classified as a pathogenic mutation in association with fumarase deficiency when in the homozygous or compound heterozygous state; however, the clinical significance with respect to the cancer predisposition syndrome hereditary leiomyomatosis and renal cell cancer remains unclear.

Revvity Omics, Revvity
Classification: Pathogenic. Last evaluated: 2019-04-11. Review status: criteria provided, single submitter. Criteria: ACMG Guidelines, 2015. Collection method: clinical testing. Allele origin: germline.

Institute of Human Genetics, University of Leipzig Medical Center
Classification: Likely pathogenic for Fumarase deficiency. Last evaluated: 2017-10-05. Review status: criteria provided, single submitter. Criteria: ACMG Guidelines, 2015. Collection method: clinical testing. Allele origin: germline. Affected: yes. Observed: 1 variant allele.
Comment: This variant was identified as homozygous

CZECANCA consortium
Classification: Likely pathogenic for Hepatocellular carcinoma. Last evaluated: 2022-05-17. Review status: no assertion criteria provided. Collection method: case-control. Allele origin: germline. Affected: yes. Not counted in ClinVar's aggregate classification.

Blake Wilde Laboratory, Roswell Park Comprehensive Cancer Center
No classification provided (evidence only). Condition: Hereditary leiomyomatosis and renal cell cancer. Review status: no classification provided. Collection method: in vitro. Allele origin: not applicable. Functional consequence: decreased enzyme activity. Not counted in ClinVar's aggregate classification.

GeneReviews
No classification provided. Condition: Fumarase deficiency. Review status: no classification provided. Collection method: literature only. Allele origin: unknown. Not counted in ClinVar's aggregate classification.

Institute for Clinical Genetics, University Hospital TU Dresden, University Hospital TU Dresden
Classification: Uncertain significance. Last evaluated: 2021-11-03. Review status: flagged submission. Criteria: ACMG Guidelines, 2015. Collection method: clinical testing. Allele origin: germline. Not counted in ClinVar's aggregate classification.
ClinVar note: Reason: Outlier claim with insufficient supporting evidence

CSER _CC_NCGL, University of Washington
Classification: Likely benign for Fumarase deficiency. Last evaluated: 2014-06-01. Review status: flagged submission. Collection method: research. Allele origin: germline. Inheritance: Autosomal dominant inheritance. Study: ESP 6500 variant annotation. Not counted in ClinVar's aggregate classification.
Comment: Variants classified for the Actionable exomic incidental findings in 6503 participants: challenges of variant classification manuscript
ClinVar note: Reason: Older and outlier claim with insufficient supporting evidence

Literature cited by the submitters: PubMed 10896297 (cited by 5 submitters); PubMed 15221078 (cited by 5 submitters); PubMed 16876016 (cited by 3 submitters); PubMed 28747166 (cited by 4 submitters); PubMed 17182618 (cited by Labcorp Genetics (formerly Invitae), Labcorp and Mayo Clinic Laboratories, Mayo Clinic); PubMed 18313410 (cited by 4 submitters); PubMed 19151755 (cited by Mayo Clinic Laboratories, Mayo Clinic and Ambry Genetics); PubMed 21445611 (cited by 3 submitters); PubMed 34994643 (cited by Mayo Clinic Laboratories, Mayo Clinic); PubMed 37255402 (cited by Mayo Clinic Laboratories, Mayo Clinic and Quest Diagnostics Nichols Institute San Juan Capistrano); PubMed 25637381 (cited by Ambry Genetics and Quest Diagnostics Nichols Institute San Juan Capistrano); PubMed 35441217 (cited by Quest Diagnostics Nichols Institute San Juan Capistrano); PubMed 34439371 (cited by Quest Diagnostics Nichols Institute San Juan Capistrano); PubMed 20301679 (cited by GeneReviews); NCBI Bookshelf NBK1506 (cited by GeneReviews).